The following is an entry in ClinVar:

NM_001677.4(ATP1B1):c.-1C>A

Gene: ATP1B1 (ATPase Na+/K+ transporting subunit beta 1; plus strand). Cytogenetic location: 1q24.2.
Variant type: single nucleotide variant.
Coding change: c.-1C>A on transcript NM_001677.4 (MANE Select); 1 bases upstream of the start codon, C replaced by A.
Molecular consequence: 5 prime UTR variant.
Genome position (GRCh38, 1-based): chr1:169,106,829, C>A. VCF-style: chr1-169106829-C-A. GRCh37 (hg19) VCF-style: chr1-169076067-C-A.
Identifiers: ClinVar variation 933171 (VCV000933171.1), dbSNP rs144750047, ClinGen allele CA1231438.
Genomic context (GRCh38, chr1:169,106,829, plus strand): 5'-CAGGGCGCGCGCCGCAGCCACCCACCCTCCGGACCGCGGCAGCTGCTGACCCGCCATCGC[C>A]ATGGCCCGCGGGAAAGCCAAGGAGGAGGGCAGCTGGAAGAAATTCATCTGGAACTCAGAG-3'

ClinVar aggregate classification (germline): Benign (1 of 4 stars; one submission).

Allele frequency attached by ClinVar (database versions not stated): gnomAD exomes 0.00022 and 0.00057; ExAC 0.00098; 1000 Genomes Project 0.00140; 1000 Genomes Project 30x 0.00156; gnomAD 0.00275 and 0.00301; TOPMed 0.00312; ESP Exome Variant Server 0.00316.
gnomAD v4.1: 756 of 1,578,024 alleles (0.048%); highest among the groups gnomAD compares: African/African-American, 0.92%; 3 homozygotes.

Submission:

Women's Health and Genetics/Laboratory Corporation of America, LabCorp
Classification: Benign. Last evaluated: 2020-06-15. Review status: criteria provided, single submitter. Criteria: LabCorp Variant Classification Summary - May 2015. Collection method: clinical testing. Allele origin: germline.
Comment: Variant summary: ATP1B1 c.-1C>A is located in the untranslated mRNA region upstream of the initiation codon. The variant allele was found at a frequency of 0.00057 in 211690 control chromosomes, predominantly at a frequency of 0.0097 within the African or African-American subpopulation in the gnomAD database. The observed variant frequency within African or African-American control individuals in the gnomAD database is approximately 970 fold of the estimated maximal expected allele frequency for a pathogenic variant in ATP1B1 causing Arrhythmia phenotype (1e-05), strongly suggesting that the variant is a benign polymorphism found primarily in populations of African or African-American origin. To our knowledge, no occurrence of c.-1C>A in individuals affected with Arrhythmia and no experimental evidence demonstrating its impact on protein function have been reported. No clinical diagnostic laboratories have submitted clinical-significance assessments for this variant to ClinVar after 2014. Based on the evidence outlined above, the variant was classified as benign.